The following is an entry in ClinVar:

ClinVar aggregate classification (germline): Conflicting classifications of pathogenicity. Review status: criteria provided, conflicting classifications (1 of 4 stars). 6 submissions from 6 submitters: Uncertain significance (4); Likely benign (2). Last evaluated 2026-09-01.

Conditions:
Nephronophthisis. Also called: Juvenile Nephronophthisis. Identifiers: Orphanet 655, MedGen C0687120, MONDO:0019005, HP:0000090.
NPHP4-related disorder. Also called: NPHP4-related disorders; NPHP4-related condition. Identifiers: MedGen CN239384.

Allele frequency attached by ClinVar (database versions not stated): 1000 Genomes Project 30x 0.00109; ESP Exome Variant Server 0.00049; TOPMed 0.00067; 1000 Genomes Project 0.00100.
gnomAD v4.1: 154 of 1,613,224 alleles (0.0095%); highest among the groups gnomAD compares: African/African-American, 0.2%; no homozygotes.

Submissions (6):

CeGaT Center for Human Genetics Tuebingen
Classification: Uncertain significance. Last evaluated: 2026-09-01. Review status: criteria provided, single submitter. Criteria: CeGaT Center For Human Genetics Tuebingen Variant Classification Criteria Version 2. Collection method: clinical testing. Allele origin: germline. Affected: yes. Observed: 1 variant allele.
Comment: NPHP4: PM2

PreventionGenetics, part of Exact Sciences
Classification: Uncertain significance for NPHP4-related condition. Last evaluated: 2026-03-24. Review status: criteria provided, single submitter. Criteria: ACMG Guidelines, 2015. Collection method: clinical testing. Allele origin: germline.
Comment: The NPHP4 c.2327C>G variant is predicted to result in the amino acid substitution p.Pro776Arg. This variant was reported in the heterozygous state in an individual with nephronophthisis, but no second variant was identified (Hoefele et al. 2005. PubMed ID: 15776426). This variant was reported as a de novo variant in a family (only proband and the mother available) in a large cohort study of congenital heart disease, and this variant was classified as uncertain (Table S3, Ekure et al. 2021. PubMed ID: 33448881). This variant is reported in 0.21% of alleles in individuals of African descent in gnomAD. Although we suspect that this variant may be benign, at this time, the clinical significance of this variant is uncertain due to the absence of conclusive functional and genetic evidence.

Labcorp Genetics (formerly Invitae), Labcorp
Classification: Likely benign for Nephronophthisis. Last evaluated: 2026-01-20. Review status: criteria provided, single submitter. Criteria: Invitae Variant Classification Sherloc (09022015). Collection method: clinical testing. Allele origin: germline.

GeneDx
Classification: Uncertain significance. Last evaluated: 2024-10-03. Review status: criteria provided, single submitter. Criteria: GeneDx Variant Classification Process June 2021. Collection method: clinical testing. Allele origin: germline. Affected: yes.
Comment: Reported previously as a single heterozygous variant in an individual with nephronophthisis (PMID: 15776426); In silico analysis supports that this missense variant has a deleterious effect on protein structure/function; This variant is associated with the following publications: (PMID: 15776426, 30476936, 33448881)

Blueprint Genetics
Classification: Likely benign. Last evaluated: 2024-07-23. Review status: criteria provided, single submitter. Criteria: ACMG Guidelines, 2015. Collection method: clinical testing. Allele origin: germline.

Eurofins Ntd Llc (ga)
Classification: Uncertain significance. Last evaluated: 2018-03-23. Review status: criteria provided, single submitter. Criteria: EGL ClinVar v180209 classification definitions. Collection method: clinical testing. Allele origin: germline. Observed: 6 variant alleles, 6 heterozygotes.

NM_015102.5(NPHP4):c.2327C>G (p.Pro776Arg)

Gene: NPHP4 (nephrocystin 4; minus strand). Cytogenetic location: 1p36.31.
Variant type: single nucleotide variant.
Coding change: c.2327C>G on transcript NM_015102.5 (MANE Select); coding-DNA position 2327, C replaced by G.
Protein change: p.Pro776Arg; replaces proline 776 with arginine.
Molecular consequence: missense variant. On other transcripts: non-coding transcript variant (1).
Genome position (GRCh38, 1-based): chr1:5,887,444, G>C on the plus strand (C>G on the coding strand, the complement: NPHP4 is on the minus strand). VCF-style: chr1-5887444-G-C. GRCh37 (hg19) VCF-style: chr1-5947504-G-C.
Other names: c.2327C>G (NM_015102.4); c.788C>G, p.Pro263Arg (NM_001291593.2); c.791C>G, p.Pro264Arg (NM_001291594.2); short protein forms P776R, P264R, P263R.
Identifiers: ClinVar variation 501537 (VCV000501537.21), dbSNP rs201527181, ClinGen allele CA554151.